The following is an entry in ClinVar:

NM_018489.3(ASH1L):c.7909C>T (p.Arg2637Trp)

Gene: ASH1L (ASH1 like histone lysine methyltransferase; minus strand). Cytogenetic location: 1q22.
Variant type: single nucleotide variant.
Coding change: c.7909C>T on transcript NM_018489.3 (MANE Select); coding-DNA position 7909, C replaced by T.
Protein change: p.Arg2637Trp; replaces arginine 2637 with tryptophan.
Molecular consequence: missense variant.
Genome position (GRCh38, 1-based): chr1:155,344,255, G>A on the plus strand (C>T on the coding strand, the complement: ASH1L is on the minus strand). VCF-style: chr1-155344255-G-A. GRCh37 (hg19) VCF-style: chr1-155314046-G-A.
Other names: c.7924C>T, p.Arg2642Trp (NM_001366177.2); short protein forms R2637W, R2642W.
Identifiers: ClinVar variation 4074732 (VCV004074732.1).

ClinVar aggregate classification (germline): Uncertain significance (1 of 4 stars; one submission).

Conditions:
Intellectual developmental disorder, autosomal dominant 52. Also called: Intellectual disability, autosomal dominant 52; Mental retardation, autosomal dominant 52. Identifiers: MedGen C4540478, MONDO:0030918, OMIM 617796.

gnomAD v4.1: 2 of 1,614,104 alleles (0.00012%); highest among the groups gnomAD compares: East Asian, 0.0045%; no homozygotes.

Submission:

Institute of Immunology and Genetics Kaiserslautern
Classification: Uncertain significance for Intellectual developmental disorder, autosomal dominant 52. Last evaluated: 2025-06-04. Review status: criteria provided, single submitter. Criteria: ACMG Guidelines, 2015. Collection method: clinical testing. Allele origin: germline. Affected: yes.
Comment: ACMG Criteria: PM2; Variant was found in heterozygous state.